The following is an entry in ClinVar:

NM_000169.3(GLA):c.659G>A (p.Arg220Gln)

Genes: GLA (galactosidase alpha; minus strand), RPL36A-HNRNPH2 (RPL36A-HNRNPH2 readthrough; plus strand). Cytogenetic location: Xq22.1.
Variant type: single nucleotide variant.
Coding change: c.659G>A on transcript NM_000169.3 (MANE Select); coding-DNA position 659, G replaced by A.
Protein change: p.Arg220Gln; replaces arginine 220 with glutamine.
Molecular consequence: missense variant. On other transcripts: non-coding transcript variant (3), intron variant (2).
Genome position (GRCh38, 1-based): chrX:101,398,927, C>T on the plus strand (G>A on the coding strand, the complement: GLA is on the minus strand). VCF-style: chrX-101398927-C-T. GRCh37 (hg19) VCF-style: chrX-100653915-C-T.
Other names: c.782G>A, p.Arg261Gln (NM_001406747.1); c.659G>A, p.Arg220Gln (NM_001406748.1); c.300+3470C>T (NM_001199973.2); c.177+7105C>T (NM_001199974.2); short protein forms R220Q, R261Q.
Identifiers: ClinVar variation 222360 (VCV000222360.28), dbSNP rs869312378, ClinGen allele CA352512.
Genomic context (GRCh38, chrX:101,398,927, plus strand): 5'-TTTATACTTTTCCAGGAATCATCAATGTCAGCAAAATTTCGCCAGTGATTGCAGTACTGT[C>T]GGATTTCTGTATAATTGGGCTGTGAAAACAGATATGACTCTTCTGTTTACTTTCTACTAA-3'
Protein context (NP_000160.1, residues 210-230): PFQKPNYTEI[Arg220Gln]QYCNHWRNFA

ClinVar aggregate classification (germline): Conflicting classifications of pathogenicity. Review status: criteria provided, conflicting classifications (1 of 4 stars). 11 submissions from 11 submitters: Likely pathogenic (1); Uncertain significance (9). 1 of the submissions does not count toward it. Last evaluated 2026-09-08.

Conditions:
GLA-related disorder. Also called: GLA-related condition.
Cardiovascular phenotype. Identifiers: MedGen CN230736.
Cardiomyopathy (CMYO). Also called: Cardiomyopathies. Identifiers: Orphanet 167848, MedGen C0878544, MONDO:0004994, HP:0001638. Inheritance: Various modes of inheritance.
Hereditary coproporphyria (HCP). Also called: Hereditary coproporphyria porphyria; Porphyria hepatica coproporphyria; Porphyria hepatica II; CPRO deficiency; COPROPORPHYRINOGEN OXIDASE DEFICIENCY; CPO DEFICIENCY. Identifiers: Orphanet 79273, MedGen C0162531, MONDO:0007369, OMIM 121300.
Fabry disease. Also called: Fabry's disease; Angiokeratoma corporis diffusum; Ceramide trihexosidosis; ALPHA-GALACTOSIDASE A DEFICIENCY; ANDERSON-FABRY DISEASE; CERAMIDE TRIHEXOSIDASE DEFICIENCY. Identifiers: Orphanet 324, MedGen C0002986, MONDO:0010526, OMIM 301500, HP:0001071. Disease mechanism: loss of function, Fabry disease is due to inactivating mutations in the X-linked GLA gene resulting in deficiency of the enzyme Alpha Galactosidase-A..

Allele frequency attached by ClinVar (database versions not stated): gnomAD exomes below 0.00001; gnomAD 0.00001; 1000 Genomes Project 30x 0.00021.
gnomAD v4.1: 6 of 1,205,097 alleles (0.0005%); highest among the groups gnomAD compares: East Asian, 0.003%; no homozygotes.

Submissions (11):

Genomenon, Inc
Classification: Uncertain significance for Fabry disease. Last evaluated: 2026-09-08. Review status: criteria provided, single submitter. Criteria: Genomenon Sequence Variant Interpretation Standards - Updated. Collection method: curation. Allele origin: germline. Affected: yes.
Comment: GLA p.Arg220Gln (c.659G>A) is a missense variant that changes the amino acid at codon 220 from Arginine to Glutamine. This variant has been observed in at least one proband with clinical features consistent with Fabry disease (PMID:31996269). Functional or patient cell studies have been reported (PMID:31036492;23935525;23465405;27657681;31996269). It is absent or not present at a significant frequency in gnomAD. In conclusion, we classify GLA p.Arg220Gln (c.659G>A) as a variant of uncertain significance.

CeGaT Center for Human Genetics Tuebingen
Classification: Uncertain significance. Last evaluated: 2026-05-01. Review status: criteria provided, single submitter. Criteria: CeGaT Center For Human Genetics Tuebingen Variant Classification Criteria Version 2. Collection method: clinical testing. Allele origin: germline. Affected: yes. Observed: 1 variant allele.
Comment: GLA: PM2, PM5

Labcorp Genetics (formerly Invitae), Labcorp
Classification: Uncertain significance for Fabry disease. Last evaluated: 2025-11-17. Review status: criteria provided, single submitter. Criteria: Invitae Variant Classification Sherloc (09022015). Collection method: clinical testing. Allele origin: germline.
Comment: This sequence change replaces arginine, which is basic and polar, with glutamine, which is neutral and polar, at codon 220 of the GLA protein (p.Arg220Gln). This variant is not present in population databases (gnomAD no frequency). This missense change has been observed in individual(s) with clinical features of Fabry disease (PMID: 23935525, 30847666, 31996269; internal data). ClinVar contains an entry for this variant (Variation ID: 222360). Invitae Evidence Modeling of protein sequence and biophysical properties (such as structural, functional, and spatial information, amino acid conservation, physicochemical variation, residue mobility, and thermodynamic stability) indicates that this missense variant is not expected to disrupt GLA protein function with a negative predictive value of 80%. Experimental studies have shown that this missense change does not substantially affect GLA function (PMID: 23935525). This variant disrupts the p.Arg220 amino acid residue in GLA. Other variant(s) that disrupt this residue have been observed in individuals with GLA-related conditions (PMID: 23608164, 35552179; internal data), which suggests that this may be a clinically significant amino acid residue. In summary, the available evidence is currently insufficient to determine the role of this variant in disease. Therefore, it has been classified as a Variant of Uncertain Significance.

Genomic Medicine Center of Excellence, King Faisal Specialist Hospital and Research Centre
Classification: Uncertain significance for Hereditary coproporphyria. Last evaluated: 2025-09-10. Review status: criteria provided, single submitter. Criteria: ACMG Guidelines, 2015. Collection method: clinical testing. Allele origin: germline.

Ambry Genetics
Classification: Uncertain significance for Cardiovascular phenotype. Last evaluated: 2025-04-14. Review status: criteria provided, single submitter. Criteria: Ambry Variant Classification Scheme 2023. Collection method: clinical testing. Allele origin: germline.
Comment: The p.R220Q variant (also known as c.659G>A), located in coding exon 5 of the GLA gene, results from a G to A substitution at nucleotide position 659. The arginine at codon 220 is replaced by glutamine, an amino acid with highly similar properties. This variant has been detected on newborn screening in an individual with reduced alpha-galactosidase A enzyme activity, has been detected in an individual with unspecified cardiomyopathy, an individual from a Fabry disease cohort, and in individuals with kidney disease on hemodialysis; however, additional clinical details were not provided (Scott CR et al. J Pediatr, 2013 Aug;163:498-503; van Lint FHM et al. Neth Heart J, 2019 Jun;27:304-309; Goicoechea M et al. Nefrologia (Engl Ed), 2021 Mar; Corchete Prats E et al. Nefrologia (Engl Ed), 2023 Dec;43:435-441). Two In vitro studies have indicated that this variant results in alpha-galactosidase A enzyme activity similar to wild type (Lukas J et al. PLoS Genet, 2013 Aug;9:e1003632; Oommen S et al. Mol Genet Metab, 2019 May;127:74-85), and one study indicated some reduction in enzyme activity (Benjamin ER et al. Genet Med, 2017 Apr;19:430-438). This amino acid position is not well conserved in available vertebrate species. In addition, the in silico prediction for this alteration is inconclusive. Based on the available evidence, the clinical significance of this variant remains unclear.

Color Diagnostics, LLC DBA Color Health
Classification: Uncertain significance for Fabry disease. Last evaluated: 2024-08-05. Review status: criteria provided, single submitter. Criteria: ACMG Guidelines, 2015. Collection method: clinical testing. Allele origin: germline.
Comment: This missense variant replaces arginine with glutamine at codon 220 of the GLA protein. Computational prediction tools indicate that this variant has a neutral impact on protein structure and function. Experimental functional studies in vitro have shown that this variant does not cause a decrease in GLA enzyme activity (PMID: 23935525, 31036492). This variant has been reported in an individual suspected to be affected with Fabry disease (PMID: 31996269), in three individuals affected with kidney disease (PMID: 36564230), in an infant affected with low GLA enzyme activity as determined by blood spot test during newborn screening (PMID: 23465405), and in an individual with cardiological symptoms of unexplained etiology (PMID: 23935525). This variant has not been identified in the general population by the Genome Aggregation Database (gnomAD). The available evidence is insufficient to determine the role of this variant in disease conclusively. Therefore, this variant is classified as a Variant of Uncertain Significance.

Fulgent Genetics
Classification: Uncertain significance for Fabry disease. Last evaluated: 2022-02-06. Review status: criteria provided, single submitter. Criteria: ACMG Guidelines, 2015. Collection method: clinical testing. Allele origin: unknown.

CHEO Genetics Diagnostic Laboratory, Children's Hospital of Eastern Ontario
Classification: Uncertain significance for Cardiomyopathy. Last evaluated: 2021-10-26. Review status: criteria provided, single submitter. Criteria: ACMG Guidelines, 2015. Collection method: clinical testing. Allele origin: germline.

Genome-Nilou Lab
Classification: Uncertain significance for Fabry disease. Last evaluated: 2021-07-22. Review status: criteria provided, single submitter. Criteria: ACMG Guidelines, 2015. Collection method: clinical testing. Allele origin: germline. Affected: no.

Blueprint Genetics
Classification: Likely pathogenic for GLA-related disorders. Last evaluated: 2019-07-29. Review status: criteria provided, single submitter. Criteria: ACMG Guidelines, 2015. Collection method: clinical testing. Allele origin: germline. Affected: yes. Observed: 1 variant allele.

Natera, Inc.
Classification: Uncertain significance for Fabry disease. Last evaluated: 2021-06-10. Review status: no assertion criteria provided. Collection method: clinical testing. Allele origin: germline. Not counted in ClinVar's aggregate classification.

Literature cited by the submitters: PubMed 31996269 (cited by 3 submitters); PubMed 31036492 (cited by 3 submitters); PubMed 23935525 (cited by 4 submitters); PubMed 23465405 (cited by 3 submitters); PubMed 27657681 (cited by Genomenon, Inc and Ambry Genetics); PubMed 30847666 (cited by Labcorp Genetics (formerly Invitae), Labcorp and Ambry Genetics); PubMed 23608164 (cited by Labcorp Genetics (formerly Invitae), Labcorp); PubMed 35552179 (cited by Labcorp Genetics (formerly Invitae), Labcorp); PubMed 33714629 (cited by Ambry Genetics); PubMed 36564230 (cited by Ambry Genetics and Color Diagnostics, LLC DBA Color Health).